The following is an entry in ClinVar:

NM_000439.5(PCSK1):c.1095+1G>A

Genes: CAST (calpastatin; plus strand), PCSK1 (proprotein convertase subtilisin/kexin type 1; minus strand), LOC101929710 (uncharacterized LOC101929710; plus strand). Cytogenetic location: 5q15.
Variant type: single nucleotide variant.
Coding change: c.1095+1G>A on transcript NM_000439.5 (MANE Select); the canonical splice donor site of the intron after coding-DNA position 1095, G replaced by A.
Molecular consequence: splice donor variant.
Genome position (GRCh38, 1-based): chr5:96,410,773, C>T on the plus strand (G>A on the coding strand, the complement: PCSK1 is on the minus strand). VCF-style: chr5-96410773-C-T. GRCh37 (hg19) VCF-style: chr5-95746477-C-T.
Other names: IVS8, G-A, +1; c.954+1G>A (NM_001177875.2).
Identifiers: ClinVar variation 1723150 (VCV001723150.26), dbSNP rs1301652826, ClinGen allele CA360481236.
Genomic context (GRCh38, chr5:96,410,773, plus strand): 5'-ATTTCACATGCATGCCACGCTCTCCTAACTAAGCAGAGAGAATTAGACAAAAGCAACATA[C>T]GATTCTCTGGTCGGTGTAATCTCCGCTGCTGTAAGAGGTGGCCAGTGTGGAGGAGCACTT-3'

ClinVar aggregate classification (germline): Likely pathogenic. Review status: criteria provided, single submitter (1 of 4 stars). 2 submissions from 2 submitters: Likely pathogenic (1). 1 of the submissions does not count toward it. Last evaluated 2023-08-01.

Conditions:
Obesity due to prohormone convertase I deficiency. Also called: OBESITY AND ENDOCRINOPATHY DUE TO IMPAIRED PROCESSING OF PROHORMONES. Identifiers: Orphanet 71528, MedGen C1833053, MONDO:0010961, OMIM 600955.

Allele frequency attached by ClinVar (database versions not stated): gnomAD 0.00001; TOPMed 0.00001.
gnomAD v4.1: 5 of 1,610,952 alleles (0.00031%); highest among the groups gnomAD compares: Admixed American, 0.0017%; no homozygotes.

Submissions (2):

CeGaT Center for Human Genetics Tuebingen
Classification: Likely pathogenic. Last evaluated: 2023-08-01. Review status: criteria provided, single submitter. Criteria: CeGaT Center For Human Genetics Tuebingen Variant Classification Criteria Version 2. Collection method: clinical testing. Allele origin: germline. Affected: yes. Observed: 1 variant allele.
Comment: PCSK1: PVS1:Strong, PM2, PS3:Supporting

OMIM
Classification: Pathogenic for PROPROTEIN CONVERTASE 1/3 DEFICIENCY. Last evaluated: 2022-11-08. Review status: no assertion criteria provided. Collection method: literature only. Allele origin: germline. Not counted in ClinVar's aggregate classification.

Literature cited by the submitters: PubMed 23562752 (cited by OMIM).